The following is an entry in ClinVar:

NM_182916.3(TRNT1):c.481+4A>G

Gene: TRNT1 (tRNA nucleotidyl transferase 1; plus strand). Cytogenetic location: 3p26.2.
Variant type: single nucleotide variant.
Coding change: c.481+4A>G on transcript NM_182916.3 (MANE Select); 4 bases into the intron after coding-DNA position 481, A replaced by G.
Molecular consequence: intron variant.
Genome position (GRCh38, 1-based): chr3:3,140,652, A>G. VCF-style: chr3-3140652-A-G. GRCh37 (hg19) VCF-style: chr3-3182336-A-G.
Other names: c.481+4A>G (NM_001367321.1, NM_001367323.1, NM_001367322.1 and 1 more transcripts).
Identifiers: ClinVar variation 1923786 (VCV001923786.3), dbSNP rs776557315, ClinGen allele CA2228663.

ClinVar aggregate classification (germline): Uncertain significance (1 of 4 stars; one submission).

Conditions:
Congenital sideroblastic anemia-B-cell immunodeficiency-periodic fever-developmental delay syndrome. Also called: Sideroblastic anemia with B-cell immunodeficiency, periodic fevers, and developmental delay. Identifiers: Orphanet 369861, MedGen C4015172, MONDO:0014487, OMIM 616084.

Allele frequency attached by ClinVar (database versions not stated): ExAC 0.00001; gnomAD exomes 0.00001.

Submission:

Labcorp Genetics (formerly Invitae), Labcorp
Classification: Uncertain significance for Congenital sideroblastic anemia-B-cell immunodeficiency-periodic fever-developmental delay syndrome. Last evaluated: 2023-08-04. Review status: criteria provided, single submitter. Criteria: Invitae Variant Classification Sherloc (09022015). Collection method: clinical testing. Allele origin: germline.
Comment: In summary, the available evidence is currently insufficient to determine the role of this variant in disease. Therefore, it has been classified as a Variant of Uncertain Significance. This sequence change falls in intron 4 of the TRNT1 gene. It does not directly change the encoded amino acid sequence of the TRNT1 protein. It affects a nucleotide within the consensus splice site. This variant is present in population databases (rs776557315, gnomAD 0.002%). This variant has not been reported in the literature in individuals affected with TRNT1-related conditions. ClinVar contains an entry for this variant (Variation ID: 1923786). Variants that disrupt the consensus splice site are a relatively common cause of aberrant splicing (PMID: 17576681, 9536098). Algorithms developed to predict the effect of sequence changes on RNA splicing suggest that this variant may disrupt the consensus splice site.

Literature cited by the submitters: PubMed 17576681; PubMed 9536098.